The following is an entry in ClinVar:

NM_020436.5(SALL4):c.1073A>G (p.Lys358Arg)

Gene: SALL4 (spalt like transcription factor 4; minus strand). Cytogenetic location: 20q13.2.
Variant type: single nucleotide variant.
Coding change: c.1073A>G on transcript NM_020436.5 (MANE Select); coding-DNA position 1073, A replaced by G.
Protein change: p.Lys358Arg; replaces lysine 358 with arginine.
Molecular consequence: missense variant.
Genome position (GRCh38, 1-based): chr20:51,791,410, T>C on the plus strand (A>G on the coding strand, the complement: SALL4 is on the minus strand). VCF-style: chr20-51791410-T-C. GRCh37 (hg19) VCF-style: chr20-50407949-T-C.
Other names: c.1073A>G, p.Lys358Arg (NM_001318031.2); short protein forms K358R.
Identifiers: ClinVar variation 3572580 (VCV003572580.1).
Genomic context (GRCh38, chr20:51,791,410, plus strand): 5'-GCCGCCTCGTCTTTGGGTTTGACATCCACCGCGGAGATGTTCGGTGGCTTCCCCTTCCCT[T>C]TCTTGGATGTGTCTAGCGCCACAGTGGAGAAAGGGCTCTGGAAGAGCACCGAGCCCGGGG-3'
Protein context (NP_065169.1, residues 348-368): FSTVALDTSK[Lys358Arg]GKGKPPNISA

ClinVar aggregate classification (germline): Uncertain significance (1 of 4 stars; one submission).

Submission:

GeneDx
Classification: Uncertain significance. Last evaluated: 2024-07-11. Review status: criteria provided, single submitter. Criteria: GeneDx Variant Classification Process June 2021. Collection method: clinical testing. Allele origin: germline. Affected: yes.
Comment: In silico analysis indicates that this missense variant does not alter protein structure/function; Has not been previously published as pathogenic or benign to our knowledge